The following is an entry in ClinVar:

ClinVar aggregate classification (germline): Uncertain significance (1 of 4 stars; one submission).

Conditions:
Hereditary cancer-predisposing syndrome. Also called: Neoplastic Syndromes, Hereditary; Tumor predisposition; Hereditary Cancer Syndrome; Hereditary neoplastic syndrome. Identifiers: Orphanet 140162, MedGen C0027672, MeSH D009386, MONDO:0015356.

Submission:

Color Diagnostics, LLC DBA Color Health
Classification: Uncertain significance for Hereditary cancer-predisposing syndrome. Last evaluated: 2024-11-04. Review status: criteria provided, single submitter. Criteria: ACMG Guidelines, 2015. Collection method: clinical testing. Allele origin: germline.
Comment: This missense variant replaces proline with leucine at codon 2477 of the BRCA2 protein. Computational prediction suggests that this variant may not impact protein structure and function. To our knowledge, functional studies have not been reported for this variant. This variant has not been reported in individuals affected with BRCA2-related disorders in the literature. This variant has not been identified in the general population by the Genome Aggregation Database (gnomAD). The available evidence is insufficient to determine the role of this variant in disease conclusively. Therefore, this variant is classified as a Variant of Uncertain Significance.

NM_000059.4(BRCA2):c.7430C>T (p.Pro2477Leu)

Gene: BRCA2 (BRCA2 DNA repair associated; plus strand). Cytogenetic location: 13q13.1.
Variant type: single nucleotide variant.
Coding change: c.7430C>T on transcript NM_000059.4 (MANE Select); coding-DNA position 7430, C replaced by T.
Protein change: p.Pro2477Leu; replaces proline 2477 with leucine.
Molecular consequence: missense variant. On other transcripts: non-coding transcript variant (1).
Genome position (GRCh38, 1-based): chr13:32,355,283, C>T. VCF-style: chr13-32355283-C-T. GRCh37 (hg19) VCF-style: chr13-32929420-C-T.
Other names: c.7334C>T, p.Pro2445Leu (NM_001406719.1); c.7430C>T, p.Pro2477Leu (NM_001406720.1, NM_001432077.1); c.2498C>T, p.Pro833Leu (NM_001406721.1); c.1013C>T, p.Pro338Leu (NM_001406722.1); short protein forms P2445L, P2477L, P338L, P833L.
Identifiers: ClinVar variation 3894155 (VCV003894155.1).